The following is an entry in ClinVar:

NM_001384732.1(CPLANE1):c.859A>G (p.Thr287Ala)

Gene: CPLANE1 (ciliogenesis and planar polarity effector complex subunit 1; minus strand). Cytogenetic location: 5p13.2.
Variant type: single nucleotide variant.
Coding change: c.859A>G on transcript NM_001384732.1 (MANE Select); coding-DNA position 859, A replaced by G.
Protein change: p.Thr287Ala; replaces threonine 287 with alanine.
Molecular consequence: missense variant.
Genome position (GRCh38, 1-based): chr5:37,238,936, T>C on the plus strand (A>G on the coding strand, the complement: CPLANE1 is on the minus strand). VCF-style: chr5-37238936-T-C. GRCh37 (hg19) VCF-style: chr5-37239038-T-C.
Other names: c.859A>G, p.Thr287Ala (NM_023073.4); short protein forms T287A.
Identifiers: ClinVar variation 1463260 (VCV001463260.6), dbSNP rs2150684044, ClinGen allele CA359514991.
Genomic context (GRCh38, chr5:37,238,936, plus strand): 5'-CCACGGGACTCTTGTTACTACATCCTTTAAGGCTACCACAGAGAGTAACAAAATTCAGTG[T>C]GTTTATAAATAATACCTGAGTTGCCTAGAAAGGAAAAAAAAGACAAGAAAACTATTAAAA-3'
Protein context (NP_001371661.1, residues 277-297): PKATQVLFIN[Thr287Ala]LNFVTLCGSL

ClinVar aggregate classification (germline): Uncertain significance (1 of 4 stars; one submission).

Submission:

Labcorp Genetics (formerly Invitae), Labcorp
Classification: Uncertain significance. Last evaluated: 2025-04-08. Review status: criteria provided, single submitter. Criteria: Invitae Variant Classification Sherloc (09022015). Collection method: clinical testing. Allele origin: germline.
Comment: This sequence change replaces threonine, which is neutral and polar, with alanine, which is neutral and non-polar, at codon 287 of the CPLANE1 protein (p.Thr287Ala). This variant is not present in population databases (gnomAD no frequency). This variant has not been reported in the literature in individuals affected with CPLANE1-related conditions. ClinVar contains an entry for this variant (Variation ID: 1463260). Invitae Evidence Modeling of protein sequence and biophysical properties (such as structural, functional, and spatial information, amino acid conservation, physicochemical variation, residue mobility, and thermodynamic stability) indicates that this missense variant is not expected to disrupt CPLANE1 protein function with a negative predictive value of 95%. In summary, the available evidence is currently insufficient to determine the role of this variant in disease. Therefore, it has been classified as a Variant of Uncertain Significance.